The following is an entry in ClinVar:

NM_007327.4(GRIN1):c.2381G>C (p.Arg794Pro)

Gene: GRIN1 (glutamate ionotropic receptor NMDA type subunit 1; plus strand). Cytogenetic location: 9q34.3.
Variant type: single nucleotide variant.
Coding change: c.2381G>C on transcript NM_007327.4 (MANE Select); coding-DNA position 2381, G replaced by C.
Protein change: p.Arg794Pro; replaces arginine 794 with proline.
Molecular consequence: missense variant.
Genome position (GRCh38, 1-based): chr9:137,163,606, G>C. VCF-style: chr9-137163606-G-C. GRCh37 (hg19) VCF-style: chr9-140058058-G-C.
Other names: c.2381G>C, p.Arg794Pro (NM_000832.7, NM_021569.4); c.2444G>C, p.Arg815Pro (NM_001185090.2, NM_001185091.2); short protein forms R794P, R815P.
Identifiers: ClinVar variation 2023315 (VCV002023315.4), dbSNP rs781053477, ClinGen allele CA375725443.
Genomic context (GRCh38, chr9:137,163,606, plus strand): 5'-TTCCCACCGCCAGGTCCCACGAGAATGGCTTCATGGAAGACCTGGACAAGACGTGGGTTC[G>C]GTATCAGGAATGTGACTCGCGCAGCAACGCCCCTGCGACCCTTACTTTTGAGAACATGGC-3'
Protein context (NP_015566.1, residues 784-804): FMEDLDKTWV[Arg794Pro]YQECDSRSNA

ClinVar aggregate classification (germline): Likely pathogenic (1 of 4 stars; one submission).

Conditions:
Neurodevelopmental disorder with or without hyperkinetic movements and seizures, autosomal dominant. Also called: Intellectual disability, autosomal dominant 8. Identifiers: MedGen C3280282, MONDO:0013655, OMIM 614254.

Submission:

Labcorp Genetics (formerly Invitae), Labcorp
Classification: Likely pathogenic for Neurodevelopmental disorder with or without hyperkinetic movements and seizures, autosomal dominant. Last evaluated: 2022-08-16. Review status: criteria provided, single submitter. Criteria: Invitae Variant Classification Sherloc (09022015). Collection method: clinical testing. Allele origin: germline.
Comment: In summary, the currently available evidence indicates that the variant is pathogenic, but additional data are needed to prove that conclusively. Therefore, this variant has been classified as Likely Pathogenic. This variant disrupts the p.Arg794 amino acid residue in GRIN1. Other variant(s) that disrupt this residue have been determined to be pathogenic (PMID: 29365063). This suggests that this residue is clinically significant, and that variants that disrupt this residue are likely to be disease-causing. Advanced modeling of protein sequence and biophysical properties (such as structural, functional, and spatial information, amino acid conservation, physicochemical variation, residue mobility, and thermodynamic stability) performed at Invitae indicates that this missense variant is expected to disrupt GRIN1 protein function. This variant has not been reported in the literature in individuals affected with GRIN1-related conditions. This variant is not present in population databases (gnomAD no frequency). This sequence change replaces arginine, which is basic and polar, with proline, which is neutral and non-polar, at codon 794 of the GRIN1 protein (p.Arg794Pro).

Literature cited by the submitters: PubMed 29365063.